The following is an entry in ClinVar:

NM_001164665.2(KIAA1549):c.338C>T (p.Pro113Leu)

Gene: KIAA1549 (KIAA1549; minus strand). Cytogenetic location: 7q34.
Variant type: single nucleotide variant.
Coding change: c.338C>T on transcript NM_001164665.2 (MANE Select); coding-DNA position 338, C replaced by T.
Protein change: p.Pro113Leu; replaces proline 113 with leucine.
Molecular consequence: missense variant.
Genome position (GRCh38, 1-based): chr7:138,919,288, G>A on the plus strand (C>T on the coding strand, the complement: KIAA1549 is on the minus strand). VCF-style: chr7-138919288-G-A. GRCh37 (hg19) VCF-style: chr7-138604034-G-A.
Other names: c.338C>T, p.Pro113Leu (NM_020910.3); short protein forms P113L.
Identifiers: ClinVar variation 1005507 (VCV001005507.4), dbSNP rs373095200, ClinGen allele CA4506966.

ClinVar aggregate classification (germline): Uncertain significance (1 of 4 stars; one submission).

Allele frequency attached by ClinVar (database versions not stated): ExAC 0.00001; gnomAD exomes 0.00002 and 0.00011; TOPMed 0.00003; gnomAD 0.00005; ESP Exome Variant Server 0.00016.
gnomAD v4.1: 164 of 1,613,902 alleles (0.01%); highest among the groups gnomAD compares: Non-Finnish European, 0.014%; no homozygotes.

Submission:

Labcorp Genetics (formerly Invitae), Labcorp
Classification: Uncertain significance. Last evaluated: 2023-08-30. Review status: criteria provided, single submitter. Criteria: Invitae Variant Classification Sherloc (09022015). Collection method: clinical testing. Allele origin: germline.
Comment: In summary, the available evidence is currently insufficient to determine the role of this variant in disease. Therefore, it has been classified as a Variant of Uncertain Significance. Algorithms developed to predict the effect of missense changes on protein structure and function output the following: SIFT: "Not Available"; PolyPhen-2: "Benign"; Align-GVGD: "Not Available". The leucine amino acid residue is found in multiple mammalian species, which suggests that this missense change does not adversely affect protein function. ClinVar contains an entry for this variant (Variation ID: 1005507). This variant has not been reported in the literature in individuals affected with KIAA1549-related conditions. This variant is present in population databases (rs373095200, gnomAD 0.004%). This sequence change replaces proline, which is neutral and non-polar, with leucine, which is neutral and non-polar, at codon 113 of the KIAA1549 protein (p.Pro113Leu).